The following is an entry in ClinVar:

ClinVar aggregate classification (germline): Uncertain significance. Review status: criteria provided, multiple submitters, no conflicts (2 of 4 stars). 2 submissions from 2 submitters: Uncertain significance (2). Last evaluated 2024-11-08.

Conditions:
Familial cancer of breast. Also called: BREAST CANCER, FAMILIAL; Hereditary breast cancer; hereditary breast carcinoma. Identifiers: Orphanet 227535, MedGen C0346153, MONDO:0016419, OMIM 114480. Disease mechanism: loss of function.
Hereditary cancer-predisposing syndrome. Also called: Hereditary neoplastic syndrome; Neoplastic Syndromes, Hereditary; Hereditary Cancer Syndrome; Tumor predisposition. Identifiers: Orphanet 140162, MedGen C0027672, MeSH D009386, MONDO:0015356.

Allele frequency attached by ClinVar (database versions not stated): gnomAD exomes below 0.00001.
gnomAD v4.1: 1 of 1,614,122 alleles (0.000062%); highest among the groups gnomAD compares: Non-Finnish European, 0.000085%; no homozygotes.

Submissions (2):

Ambry Genetics
Classification: Uncertain significance for Hereditary cancer-predisposing syndrome. Last evaluated: 2024-11-08. Review status: criteria provided, single submitter. Criteria: Ambry Variant Classification Scheme 2023. Collection method: clinical testing. Allele origin: germline.
Comment: The p.P713S variant (also known as c.2137C>T), located in coding exon 5 of the PALB2 gene, results from a C to T substitution at nucleotide position 2137. The proline at codon 713 is replaced by serine, an amino acid with similar properties. This amino acid position is conserved. In addition, this alteration is predicted to be tolerated by in silico analysis. Since supporting evidence is limited at this time, the clinical significance of this alteration remains unclear.

Labcorp Genetics (formerly Invitae), Labcorp
Classification: Uncertain significance for Familial cancer of breast. Last evaluated: 2024-07-02. Review status: criteria provided, single submitter. Criteria: Invitae Variant Classification Sherloc (09022015). Collection method: clinical testing. Allele origin: germline.
Comment: This sequence change replaces proline, which is neutral and non-polar, with serine, which is neutral and polar, at codon 713 of the PALB2 protein (p.Pro713Ser). This variant is not present in population databases (gnomAD no frequency). This variant has not been reported in the literature in individuals affected with PALB2-related conditions. ClinVar contains an entry for this variant (Variation ID: 530065). Advanced modeling of protein sequence and biophysical properties (such as structural, functional, and spatial information, amino acid conservation, physicochemical variation, residue mobility, and thermodynamic stability) performed at Invitae indicates that this missense variant is not expected to disrupt PALB2 protein function with a negative predictive value of 80%. In summary, the available evidence is currently insufficient to determine the role of this variant in disease. Therefore, it has been classified as a Variant of Uncertain Significance.

NM_024675.4(PALB2):c.2137C>T (p.Pro713Ser)

Gene: PALB2 (partner and localizer of BRCA2; minus strand). Cytogenetic location: 16p12.2.
Variant type: single nucleotide variant.
Coding change: c.2137C>T on transcript NM_024675.4 (MANE Select); coding-DNA position 2137, C replaced by T.
Protein change: p.Pro713Ser; replaces proline 713 with serine.
Molecular consequence: missense variant.
Genome position (GRCh38, 1-based): chr16:23,630,017, G>A on the plus strand (C>T on the coding strand, the complement: PALB2 is on the minus strand). VCF-style: chr16-23630017-G-A. GRCh37 (hg19) VCF-style: chr16-23641338-G-A.
Other names: short protein forms P713S.
Identifiers: ClinVar variation 530065 (VCV000530065.14), dbSNP rs1555460475, ClinGen allele CA395125724.